The following is an entry in ClinVar:

ClinVar aggregate classification (germline): Likely benign (1 of 4 stars; one submission).

Allele frequency attached by ClinVar (database versions not stated): gnomAD exomes below 0.00001.
gnomAD v4.1: 1 of 1,613,636 alleles (0.000062%); highest among the groups gnomAD compares: Non-Finnish European, 0.000085%; no homozygotes.

Submission:

GeneDx
Classification: Likely benign. Last evaluated: 2018-04-09. Review status: criteria provided, single submitter. Criteria: GeneDx Variant Classification (06012015). Collection method: clinical testing. Allele origin: germline. Affected: yes.
Comment: This variant is considered likely benign or benign based on one or more of the following criteria: it is a conservative change, it occurs at a poorly conserved position in the protein, it is predicted to be benign by multiple in silico algorithms, and/or has population frequency not consistent with disease.

NM_001267550.2(TTN):c.32659A>G (p.Ile10887Val)

Gene: TTN (titin; minus strand). Cytogenetic location: 2q31.2.
Variant type: single nucleotide variant.
Coding change: c.32659A>G on transcript NM_001267550.2 (MANE Select); coding-DNA position 32659, A replaced by G.
Protein change: p.Ile10887Val; replaces isoleucine 10887 with valine.
Molecular consequence: missense variant. On other transcripts: intron variant (3).
Genome position (GRCh38, 1-based): chr2:178,684,393, T>C on the plus strand (A>G on the coding strand, the complement: TTN is on the minus strand). VCF-style: chr2-178684393-T-C. GRCh37 (hg19) VCF-style: chr2-179549120-T-C.
Other names: c.31708A>G, p.Ile10570Val (NM_001256850.1); c.28927A>G, p.Ile9643Val (NM_133378.4); c.13283-42076A>G (NM_003319.4); c.13859-42076A>G (NM_133437.4); c.13658-42076A>G (NM_133432.3); short protein forms I10570V, I10887V, I9643V.
Identifiers: ClinVar variation 681611 (VCV000681611.1), dbSNP rs1577379105, ClinGen allele CA349546347.
Genomic context (GRCh38, chr2:178,684,393, plus strand): 5'-TTGCTTTTGGAGGCGCCTCTTTTTTAGTTACAGCAACAAGAACTTTTTCTTCCTGGGTAA[T>C]TTGCATGTGCCTCTCAGTCACTTAAAAGATAATTTTAGGATTAGGGAGTTATATCAAAGT-3'
Protein context (NP_001254479.2, residues 10877-10897): PAKVTERHMQ[Ile10887Val]TQEEKVLVAV